The following is an entry in ClinVar:

NM_000212.3(ITGB3):c.953T>C (p.Leu318Ser)

Gene: ITGB3 (integrin subunit beta 3; plus strand). Cytogenetic location: 17q21.32.
Variant type: single nucleotide variant.
Coding change: c.953T>C on transcript NM_000212.3 (MANE Select); coding-DNA position 953, T replaced by C.
Protein change: p.Leu318Ser; replaces leucine 318 with serine.
Molecular consequence: missense variant.
Genome position (GRCh38, 1-based): chr17:47,289,694, T>C. VCF-style: chr17-47289694-T-C. GRCh37 (hg19) VCF-style: chr17-45367060-T-C.
Other names: short protein forms L318S.
Identifiers: ClinVar variation 953027 (VCV000953027.5), dbSNP rs1424237752, ClinGen allele CA400025639.

ClinVar aggregate classification (germline): Uncertain significance (3 of 4 stars; one submission).

Conditions:
Glanzmann thrombasthenia. Also called: THROMBASTHENIA OF GLANZMANN AND NAEGELI; Thrombasthenia; Glanzmann's thrombasthenia; PLATELET GLYCOPROTEIN IIb-IIIa DEFICIENCY. Identifiers: Orphanet 849, MedGen C0040015, MONDO:0100326.

Allele frequency attached by ClinVar (database versions not stated): gnomAD exomes below 0.00001.
gnomAD v4.1: 1 of 1,612,826 alleles (0.000062%); no homozygotes.

Submission:

ClinGen Platelet Disorders Variant Curation Expert Panel, ClinGen
Classification: Uncertain significance for Glanzmann thrombasthenia. Last evaluated: 2026-02-05. Review status: reviewed by expert panel. Criteria: ClinGen Platelet ACMG Specifications v2-1. Collection method: curation. Allele origin: germline. Inheritance: Autosomal recessive inheritance.
Comment: The NM_000212.3(ITGB3):c.953T>C (p.Leu318Ser) variant has been reported, in the homozygous state (PM3_supporting), in at least one proband (PMID: 19691478) with a GT-specific phenotype. GT 24 had a history of mucocutaneous bleeding, absent or reduced aggregation in response to ADP, ADR, AA and collagen and normal aggregation with ristocetin (PP4_moderate). Flow cytometry characterized the patient with type I GT and Western blotting showed reduced expression. It is present in gnomADv4.1 at an allele frequency of 0.00001562 in the Finnish population (PM2_supporting). The computational predictor REVEL gives a score of 0.965, which is above the ClinGen PD VCEP threshold of >0.7 and predicts a damaging effect on function (PP3). In summary, this variant meets the criteria to be classified as uncertain significance for autosomal recessive Glanzmann Thrombasthenia based on the ACMG/AMP criteria applied, as specified by the ClinGen PD VCEP: PP4_moderate, PM3_supporting, PP3, PM2_supporting (VCEP specifications version 2).